The following is an entry in ClinVar:

ClinVar aggregate classification (germline): Uncertain significance. Review status: criteria provided, multiple submitters, no conflicts (2 of 4 stars). 2 submissions from 2 submitters: Uncertain significance (2). Last evaluated 2023-08-28.

Conditions:
Primary ciliary dyskinesia. Also called: Ciliary dyskinesia. Identifiers: Orphanet 244, MedGen C0008780, MONDO:0016575, HP:0012265.

Allele frequency attached by ClinVar (database versions not stated): gnomAD 0.00001 and 0.00003; gnomAD exomes 0.00001 and 0.00008; TOPMed 0.00002; 1000 Genomes Project 30x 0.00016; 1000 Genomes Project 0.00020.
gnomAD v4.1: 108 of 1,550,212 alleles (0.007%); highest among the groups gnomAD compares: Non-Finnish European, 0.0092%; no homozygotes.

Submissions (2):

Ambry Genetics
Classification: Uncertain significance for Primary ciliary dyskinesia. Last evaluated: 2023-08-28. Review status: criteria provided, single submitter. Criteria: Ambry Variant Classification Scheme 2023. Collection method: clinical testing. Allele origin: germline.

Labcorp Genetics (formerly Invitae), Labcorp
Classification: Uncertain significance for Primary ciliary dyskinesia. Last evaluated: 2019-11-26. Review status: criteria provided, single submitter. Criteria: Invitae Variant Classification Sherloc (09022015). Collection method: clinical testing. Allele origin: germline.
Comment: In summary, the available evidence is currently insufficient to determine the role of this variant in disease. Therefore, it has been classified as a Variant of Uncertain Significance. Algorithms developed to predict the effect of missense changes on protein structure and function are either unavailable or do not agree on the potential impact of this missense change (SIFT: "Tolerated"; PolyPhen-2: "Probably Damaging"; Align-GVGD: "Class C0"). This variant has not been reported in the literature in individuals with CCDC114-related conditions. This variant is not present in population databases (ExAC no frequency). This sequence change replaces leucine with proline at codon 105 of the CCDC114 protein (p.Leu105Pro). The leucine residue is weakly conserved and there is a moderate physicochemical difference between leucine and proline.

NM_001364171.2(ODAD1):c.425T>C (p.Leu142Pro)

Gene: ODAD1 (outer dynein arm docking complex subunit 1; minus strand). Cytogenetic location: 19q13.33.
Variant type: single nucleotide variant.
Coding change: c.425T>C on transcript NM_001364171.2 (MANE Select); coding-DNA position 425, T replaced by C.
Protein change: p.Leu142Pro; replaces leucine 142 with proline.
Molecular consequence: missense variant.
Genome position (GRCh38, 1-based): chr19:48,312,052, A>G on the plus strand (T>C on the coding strand, the complement: ODAD1 is on the minus strand). VCF-style: chr19-48312052-A-G. GRCh37 (hg19) VCF-style: chr19-48815309-A-G.
Other names: c.314T>C, p.Leu105Pro (NM_144577.4); short protein forms L142P, L105P.
Identifiers: ClinVar variation 864335 (VCV000864335.20), dbSNP rs146960725, ClinGen allele CA309311220.